The following is an entry in ClinVar:

NM_003119.4(SPG7):c.987+216A>G

Gene: SPG7 (SPG7 matrix AAA peptidase subunit, paraplegin; plus strand). Cytogenetic location: 16q24.3.
Variant type: single nucleotide variant.
Coding change: c.987+216A>G on transcript NM_003119.4 (MANE Select); 216 bases into the intron after coding-DNA position 987, A replaced by G.
Molecular consequence: intron variant.
Genome position (GRCh38, 1-based): chr16:89,531,024, A>G. VCF-style: chr16-89531024-A-G. GRCh37 (hg19) VCF-style: chr16-89597432-A-G.
Other names: c.987+216A>G (NM_001363850.1, NM_199367.3).
Identifiers: ClinVar variation 680021 (VCV000680021.1), dbSNP rs113166127, ClinGen allele CA286543410.

ClinVar aggregate classification (germline): Likely benign (1 of 4 stars; one submission).

Allele frequency attached by ClinVar (database versions not stated): 1000 Genomes Project 0.01058; 1000 Genomes Project 30x 0.01124; gnomAD 0.01223 and 0.01324; TOPMed 0.01437.
gnomAD v4.1: 2,730 of 664,732 alleles (0.41%); highest among the groups gnomAD compares: African/African-American, 4.2%; 58 homozygotes.

Submission:

GeneDx
Classification: Likely benign. Last evaluated: 2018-06-14. Review status: criteria provided, single submitter. Criteria: GeneDx Variant Classification (06012015). Collection method: clinical testing. Allele origin: germline. Affected: yes.
Comment: This variant is considered likely benign or benign based on one or more of the following criteria: it is a conservative change, it occurs at a poorly conserved position in the protein, it is predicted to be benign by multiple in silico algorithms, and/or has population frequency not consistent with disease.